The following is an entry in ClinVar:

ClinVar aggregate classification (germline): Benign. Review status: criteria provided, multiple submitters, no conflicts (2 of 4 stars). 4 submissions from 4 submitters: Benign (3). 1 of the submissions does not count toward it. Last evaluated 2026-02-02.

Conditions:
DVL1-related disorder. Also called: DVL1-related condition.

Allele frequency attached by ClinVar (database versions not stated): 1000 Genomes Project 0.02636; 1000 Genomes Project 30x 0.02780; ESP Exome Variant Server 0.01594.
gnomAD v4.1: 5,701 of 1,559,656 alleles (0.37%); highest among the groups gnomAD compares: African/African-American, 6.5%; 185 homozygotes.

Submissions (4):

Labcorp Genetics (formerly Invitae), Labcorp
Classification: Benign. Last evaluated: 2026-02-02. Review status: criteria provided, single submitter. Criteria: Invitae Variant Classification Sherloc (09022015). Collection method: clinical testing. Allele origin: germline.

GeneDx
Classification: Benign. Last evaluated: 2019-05-14. Review status: criteria provided, single submitter. Criteria: GeneDx Variant Classification Process June 2021. Collection method: clinical testing. Allele origin: germline. Affected: yes.

Breakthrough Genomics
Classification: Benign. Review status: criteria provided, single submitter. Criteria: ACMG Guidelines, 2015. Collection method: not provided. Allele origin: germline. Inheritance: Autosomal dominant inheritance. Affected: yes.

PreventionGenetics, part of Exact Sciences
Classification: Benign for DVL1-related condition. Last evaluated: 2019-04-25. Review status: no assertion criteria provided. Collection method: clinical testing. Allele origin: germline. Not counted in ClinVar's aggregate classification.
Comment: This variant is classified as benign based on ACMG/AMP sequence variant interpretation guidelines (Richards et al. 2015 PMID: 25741868, with internal and published modifications).

NM_001330311.2(DVL1):c.1974C>T (p.Pro658=)

Gene: DVL1 (dishevelled segment polarity protein 1; minus strand). Cytogenetic location: 1p36.33.
Variant type: single nucleotide variant.
Coding change: c.1974C>T on transcript NM_001330311.2 (MANE Select); coding-DNA position 1974, C replaced by T.
Protein change: p.Pro658=; no amino-acid change (proline 658 retained).
Molecular consequence: synonymous variant.
Genome position (GRCh38, 1-based): chr1:1,336,256, G>A on the plus strand (C>T on the coding strand, the complement: DVL1 is on the minus strand). VCF-style: chr1-1336256-G-A. GRCh37 (hg19) VCF-style: chr1-1271636-G-A.
Other names: c.1899C>T, p.Pro633= (NM_004421.3).
Identifiers: ClinVar variation 1168660 (VCV001168660.13), dbSNP rs34935417, ClinGen allele CA519755.